The following is an entry in ClinVar:

NM_003480.4(MFAP5):c.476T>C (p.Leu159Pro)

Genes: MFAP5 (microfibril associated protein 5; minus strand), LOC126861443 (BRD4-independent group 4 enhancer GRCh37_chr12:8800473-8801672; plus strand). Cytogenetic location: 12p13.31.
Variant type: single nucleotide variant.
Coding change: c.476T>C on transcript NM_003480.4 (MANE Select); coding-DNA position 476, T replaced by C.
Protein change: p.Leu159Pro; replaces leucine 159 with proline.
Molecular consequence: missense variant. On other transcripts: non-coding transcript variant (2).
Genome position (GRCh38, 1-based): chr12:8,648,137, A>G on the plus strand (T>C on the coding strand, the complement: MFAP5 is on the minus strand). VCF-style: chr12-8648137-A-G. GRCh37 (hg19) VCF-style: chr12-8800733-A-G.
Other names: c.446T>C, p.Leu149Pro (NM_001297709.2); c.410T>C, p.Leu137Pro (NM_001297710.2); c.401T>C, p.Leu134Pro (NM_001297711.2); c.284T>C, p.Leu95Pro (NM_001297712.2); short protein forms L134P, L137P, L149P, L159P, L95P.
Identifiers: ClinVar variation 4701035 (VCV004701035.1).

ClinVar aggregate classification (germline): Uncertain significance (1 of 4 stars; one submission).

gnomAD v4.1: 4 of 1,613,894 alleles (0.00025%); highest among the groups gnomAD compares: Admixed American, 0.0033%; no homozygotes.

Submission:

Labcorp Genetics (formerly Invitae), Labcorp
Classification: Uncertain significance. Last evaluated: 2025-03-06. Review status: criteria provided, single submitter. Criteria: Invitae Variant Classification Sherloc (09022015). Collection method: clinical testing. Allele origin: germline.
Comment: This sequence change replaces leucine, which is neutral and non-polar, with proline, which is neutral and non-polar, at codon 159 of the MFAP5 protein (p.Leu159Pro). This variant is present in population databases (no rsID available, gnomAD 0.003%). This variant has not been reported in the literature in individuals affected with MFAP5-related conditions. An algorithm developed to predict the effect of missense changes on protein structure and function (PolyPhen-2) suggests that this variant is likely to be disruptive. In summary, the available evidence is currently insufficient to determine the role of this variant in disease. Therefore, it has been classified as a Variant of Uncertain Significance.